The following is an entry in ClinVar:

NM_004415.4(DSP):c.2000G>A (p.Trp667Ter)

Gene: DSP (desmoplakin; plus strand). Cytogenetic location: 6p24.3.
Variant type: single nucleotide variant.
Coding change: c.2000G>A on transcript NM_004415.4 (MANE Select); coding-DNA position 2000, G replaced by A.
Protein change: p.Trp667Ter; replaces tryptophan 667 with a stop codon.
Molecular consequence: nonsense.
Genome position (GRCh38, 1-based): chr6:7,571,938, G>A. VCF-style: chr6-7571938-G-A. GRCh37 (hg19) VCF-style: chr6-7572171-G-A.
Other names: c.2000G>A, p.Trp667Ter (NM_001008844.3, NM_001319034.2); short protein forms W667*.
Identifiers: ClinVar variation 839375 (VCV000839375.1), dbSNP rs760214732, ClinGen allele CA362680335.
Genomic context (GRCh38, chr6:7,571,938, plus strand): 5'-AAGATGTCAACCATAATAAAGTAATTGAAACCAACAGAGAAAATGACAAGCAAGAAACAT[G>A]GATGCTGATGGAGCTGCAGAAGATTCGCAGGCAGATAGAGCACTGCGAGGGCAGGATGAC-3'

ClinVar aggregate classification (germline): Pathogenic (1 of 4 stars; one submission).

Conditions:
Arrhythmogenic right ventricular dysplasia 8 (ARVD8). Also called: Arrhythmogenic Right Ventricular Dysplasia/Cardiomyopathy 8; ARRHYTHMOGENIC RIGHT VENTRICULAR DYSPLASIA, FAMILIAL, 8; ARRHYTHMOGENIC RIGHT VENTRICULAR CARDIOMYOPATHY 8. Identifiers: MedGen C1843896, MONDO:0011831, OMIM 607450.
Arrhythmogenic cardiomyopathy with wooly hair and keratoderma. Also called: Arrhythmogenic cardiomyopathy with woolly hair and keratoderma; PALMOPLANTAR KERATODERMA WITH LEFT VENTRICULAR CARDIOMYOPATHY AND WOOLLY HAIR; Carvajal syndrome; Dilated cardiomyopathy with woolly hair and keratoderma. Identifiers: Orphanet 65282, MedGen C1854063, MONDO:0011581, OMIM 605676.

Submission:

Labcorp Genetics (formerly Invitae), Labcorp
Classification: Pathogenic for Dilated cardiomyopathy with woolly hair and keratoderma; Arrhythmogenic right ventricular cardiomyopathy, type 8. Last evaluated: 2019-11-26. Review status: criteria provided, single submitter. Criteria: Invitae Variant Classification Sherloc (09022015). Collection method: clinical testing. Allele origin: germline.
Comment: This sequence change creates a premature translational stop signal (p.Trp667*) in the DSP gene. It is expected to result in an absent or disrupted protein product. This variant is not present in population databases (ExAC no frequency). This variant has not been reported in the literature in individuals with DSP-related conditions. Loss-of-function variants in DSP are known to be pathogenic (PMID: 20716751, 24503780, 25227139). For these reasons, this variant has been classified as Pathogenic.